The following is an entry in ClinVar:

ClinVar aggregate classification (germline): Uncertain significance (1 of 4 stars; one submission).

Conditions:
Autosomal dominant hypocalcemia 1 (HYPOC1). Also called: HYPOCALCEMIA, FAMILIAL. Identifiers: MedGen C3715128, MONDO:0011013, OMIM 601198.
Familial hypocalciuric hypercalcemia (FHH). Also called: Familial benign hypercalcemia. Identifiers: Orphanet 405, MedGen C1809471, MONDO:0018458.

Submission:

Labcorp Genetics (formerly Invitae), Labcorp
Classification: Uncertain significance for Familial hypocalciuric hypercalcemia; Autosomal dominant hypocalcemia 1. Last evaluated: 2022-10-03. Review status: criteria provided, single submitter. Criteria: Invitae Variant Classification Sherloc (09022015). Collection method: clinical testing. Allele origin: germline.
Comment: In summary, the available evidence is currently insufficient to determine the role of this variant in disease. Therefore, it has been classified as a Variant of Uncertain Significance. Algorithms developed to predict the effect of missense changes on protein structure and function (SIFT, PolyPhen-2, Align-GVGD) all suggest that this variant is likely to be disruptive. This variant has not been reported in the literature in individuals affected with CASR-related conditions. This variant is not present in population databases (gnomAD no frequency). This sequence change replaces serine, which is neutral and polar, with phenylalanine, which is neutral and non-polar, at codon 534 of the CASR protein (p.Ser534Phe).

NM_000388.4(CASR):c.1601C>T (p.Ser534Phe)

Gene: CASR (calcium sensing receptor; plus strand). Cytogenetic location: 3q21.1.
Variant type: single nucleotide variant.
Coding change: c.1601C>T on transcript NM_000388.4 (MANE Select); coding-DNA position 1601, C replaced by T.
Protein change: p.Ser534Phe; replaces serine 534 with phenylalanine.
Molecular consequence: missense variant.
Genome position (GRCh38, 1-based): chr3:122,276,035, C>T. VCF-style: chr3-122276035-C-T. GRCh37 (hg19) VCF-style: chr3-121994882-C-T.
Other names: c.1601C>T, p.Ser534Phe (NM_001178065.2); short protein forms S534F.
Identifiers: ClinVar variation 1949652 (VCV001949652.5), dbSNP rs2473258577, ClinGen allele CA354155581.